The following is an entry in ClinVar:

NM_001370466.1(NOD2):c.*462C>A

Genes: CYLD-AS1 (CYLD antisense RNA 1; minus strand), NOD2 (nucleotide binding oligomerization domain containing 2; plus strand). Cytogenetic location: 16q12.1.
Variant type: single nucleotide variant.
Coding change: c.*462C>A on transcript NM_001370466.1 (MANE Select); 462 bases downstream of the stop codon, C replaced by A.
Molecular consequence: 3 prime UTR variant. On other transcripts: non-coding transcript variant (1).
Genome position (GRCh38, 1-based): chr16:50,732,281, C>A. VCF-style: chr16-50732281-C-A. GRCh37 (hg19) VCF-style: chr16-50766192-C-A.
Other names: c.*462C>A (NM_001293557.2, NM_022162.3, LRG_177t1).
Identifiers: ClinVar variation 319484 (VCV000319484.30), dbSNP rs562972090, ClinGen allele CA10637860.

ClinVar aggregate classification (germline): Conflicting classifications of pathogenicity. Review status: criteria provided, conflicting classifications (1 of 4 stars). 3 submissions from 2 submitters: Uncertain significance (2); Benign (1). Last evaluated 2022-04-01.

Conditions:
Inflammatory bowel disease 1 (IBD1). Also called: INFLAMMATORY BOWEL DISEASE (CROHN DISEASE) 1; Inflammatory bowel disease 1, Crohn disease. Identifiers: MedGen CN260071, MONDO:0009960, OMIM 266600.
Blau syndrome (BLAUS). Also called: GRANULOMATOSIS, FAMILIAL JUVENILE SYSTEMIC; GRANULOMATOSIS, FAMILIAL, BLAU TYPE; GRANULOMATOUS INFLAMMATORY ARTHRITIS, DERMATITIS, AND UVEITIS, FAMILIAL; JABS SYNDROME; ARTHROCUTANEOUVEAL GRANULOMATOSIS. Identifiers: Orphanet 90340, MedGen C5201146, MONDO:0008523, OMIM 186580.

Allele frequency attached by ClinVar (database versions not stated): gnomAD 0.00029; TOPMed 0.00037; gnomAD exomes 0.00095.
gnomAD v4.1: 134 of 228,556 alleles (0.059%); highest among the groups gnomAD compares: South Asian, 0.43%; 2 homozygotes.

Submissions (3):

CeGaT Center for Human Genetics Tuebingen
Classification: Benign. Last evaluated: 2022-04-01. Review status: criteria provided, single submitter. Criteria: CeGaT Center For Human Genetics Tuebingen Variant Classification Criteria Version 2. Collection method: clinical testing. Allele origin: germline. Affected: yes. Observed: 1 variant allele.
Comment: NOD2: BS1, BS2

Illumina Laboratory Services, Illumina
Classification: Uncertain significance for Blau syndrome. Last evaluated: 2018-01-12. Review status: criteria provided, single submitter. Criteria: ICSL Variant Classification Criteria 13 December 2019. Collection method: clinical testing. Allele origin: germline.

Illumina Laboratory Services, Illumina
Classification: Uncertain significance for Inflammatory bowel disease 1. Last evaluated: 2018-01-12. Review status: criteria provided, single submitter. Criteria: ICSL Variant Classification Criteria 13 December 2019. Collection method: clinical testing. Allele origin: germline.